The following is an entry in ClinVar:

ClinVar aggregate classification (germline): Uncertain significance (1 of 4 stars; one submission).

Submission:

GeneDx
Classification: Uncertain significance. Last evaluated: 2022-11-07. Review status: criteria provided, single submitter. Criteria: GeneDx Variant Classification Process June 2021. Collection method: clinical testing. Allele origin: germline. Affected: yes.
Comment: Not observed at significant frequency in large population cohorts (gnomAD); In silico analysis supports that this missense variant has a deleterious effect on protein structure/function; Has not been previously published as pathogenic or benign to our knowledge

NM_005251.3(FOXC2):c.422G>T (p.Gly141Val)

Genes: FOXC2 (forkhead box C2; plus strand), FOXC2-AS1 (FOXC2 antisense RNA 1; minus strand). Cytogenetic location: 16q24.1.
Variant type: single nucleotide variant.
Coding change: c.422G>T on transcript NM_005251.3 (MANE Select); coding-DNA position 422, G replaced by T.
Protein change: p.Gly141Val; replaces glycine 141 with valine.
Molecular consequence: missense variant. On other transcripts: non-coding transcript variant (1).
Genome position (GRCh38, 1-based): chr16:86,567,757, G>T. VCF-style: chr16-86567757-G-T. GRCh37 (hg19) VCF-style: chr16-86601363-G-T.
Other names: short protein forms G141V.
Identifiers: ClinVar variation 2501519 (VCV002501519.1), dbSNP rs2507944624, ClinGen allele CA397007196.